The following is an entry in ClinVar:

NM_015100.4(POGZ):c.1685G>A (p.Cys562Tyr)

Gene: POGZ (pogo transposable element derived with ZNF domain; minus strand). Cytogenetic location: 1q21.3.
Variant type: single nucleotide variant.
Coding change: c.1685G>A on transcript NM_015100.4 (MANE Select); coding-DNA position 1685, G replaced by A.
Protein change: p.Cys562Tyr; replaces cysteine 562 with tyrosine.
Molecular consequence: missense variant.
Genome position (GRCh38, 1-based): chr1:151,412,390, C>T on the plus strand (G>A on the coding strand, the complement: POGZ is on the minus strand). VCF-style: chr1-151412390-C-T. GRCh37 (hg19) VCF-style: chr1-151384866-C-T.
Other names: c.1658G>A, p.Cys553Tyr (NM_001194937.2); c.1499G>A, p.Cys500Tyr (NM_001194938.2); c.1400G>A, p.Cys467Tyr (NM_145796.4); c.1526G>A, p.Cys509Tyr (NM_207171.2); short protein forms C500Y, C509Y, C562Y, C467Y, C553Y.
Identifiers: ClinVar variation 930505 (VCV000930505.7), dbSNP rs1654829470, ClinGen allele CA341965347.

ClinVar aggregate classification (germline): Uncertain significance. Review status: criteria provided, multiple submitters, no conflicts (2 of 4 stars). 3 submissions from 3 submitters: Uncertain significance (3). Last evaluated 2023-04-11.

Conditions:
Intellectual disability-microcephaly-strabismus-behavioral abnormalities syndrome. Also called: White-Sutton Syndrome. Identifiers: Orphanet 468678, MedGen C4225351, MONDO:0014606, OMIM 616364.

Submissions (3):

Genome-Nilou Lab
Classification: Uncertain significance for Intellectual disability-microcephaly-strabismus-behavioral abnormalities syndrome. Last evaluated: 2023-04-11. Review status: criteria provided, single submitter. Criteria: ACMG Guidelines, 2015. Collection method: clinical testing. Allele origin: germline. Affected: no.

Institute of Human Genetics, University of Goettingen
Classification: Uncertain significance for Intellectual disability-microcephaly-strabismus-behavioral abnormalities syndrome. Last evaluated: 2021-03-05. Review status: criteria provided, single submitter. Criteria: ACMG Guidelines, 2015. Collection method: clinical testing. Allele origin: germline. Inheritance: Autosomal dominant inheritance. Affected: yes. Observed: 1 variant allele, 1 heterozygote.
Comment: This variant was found within clinical testing. It is absent from gnomAD and is predicted to be damaging. This variant is not described elsewhere, but it fits to the symptoms of the patient. In summary and using ACMG criteria PM2, PP3, PM1 and BP1 we classify this variant as variant of unknown clinical significance.

Centre for Mendelian Genomics, University Medical Centre Ljubljana
Classification: Uncertain significance for Intellectual disability-microcephaly-strabismus-behavioral abnormalities syndrome. Last evaluated: 2019-09-05. Review status: criteria provided, single submitter. Criteria: ACMG Guidelines, 2015. Collection method: clinical testing. Allele origin: unknown. Affected: yes.
Comment: This variant was classified as: Uncertain significance. The available evidence favors the pathogenic nature of this variant, however the currently available data is insufficient to conclusively support its pathogenic nature. Thus this variant is classified as Uncertain significance - favor pathogenic. The following ACMG criteria were applied in classifying this variant: PM2,PM6,PP3.